The following is an entry in ClinVar:

ClinVar aggregate classification (germline): Uncertain significance (1 of 4 stars; one submission).

Conditions:
Hereditary spastic paraplegia 8 (SPG8). Also called: SPASTIC PARAPLEGIA 8, AUTOSOMAL DOMINANT. Identifiers: Orphanet 100989, MedGen C1863704, MONDO:0011339, OMIM 603563.
Ritscher-Schinzel syndrome. Also called: CRANIOCEREBELLOCARDIAC DYSPLASIA. Identifiers: Orphanet 7, MedGen C0796137, MONDO:0019078.

Submission:

Labcorp Genetics (formerly Invitae), Labcorp
Classification: Uncertain significance for Ritscher-Schinzel syndrome; Hereditary spastic paraplegia 8. Last evaluated: 2020-06-27. Review status: criteria provided, single submitter. Criteria: Invitae Variant Classification Sherloc (09022015). Collection method: clinical testing. Allele origin: germline.
Comment: Algorithms developed to predict the effect of missense changes on protein structure and function are either unavailable or do not agree on the potential impact of this missense change (SIFT: "Deleterious"; PolyPhen-2: "Possibly Damaging"; Align-GVGD: "Class C0"). This variant has not been reported in the literature in individuals with WASHC5-related conditions. This variant is not present in population databases (ExAC no frequency). This sequence change replaces aspartic acid with histidine at codon 841 of the WASHC5 protein (p.Asp841His). The aspartic acid residue is highly conserved and there is a moderate physicochemical difference between aspartic acid and histidine. In summary, the available evidence is currently insufficient to determine the role of this variant in disease. Therefore, it has been classified as a Variant of Uncertain Significance.

NM_014846.4(WASHC5):c.2521G>C (p.Asp841His)

Genes: WASHC5 (WASH complex subunit 5; minus strand), WASHC5-AS1 (WASHC5 antisense RNA 1; plus strand). Cytogenetic location: 8q24.13.
Variant type: single nucleotide variant.
Coding change: c.2521G>C on transcript NM_014846.4 (MANE Select); coding-DNA position 2521, G replaced by C.
Protein change: p.Asp841His; replaces aspartic acid 841 with histidine.
Molecular consequence: missense variant. On other transcripts: non-coding transcript variant (1).
Genome position (GRCh38, 1-based): chr8:125,044,682, C>G on the plus strand (G>C on the coding strand, the complement: WASHC5 is on the minus strand). VCF-style: chr8-125044682-C-G. GRCh37 (hg19) VCF-style: chr8-126056924-C-G.
Other names: c.2077G>C, p.Asp693His (NM_001330609.2); short protein forms D693H, D841H.
Identifiers: ClinVar variation 1062381 (VCV001062381.9), dbSNP rs2130023882, ClinGen allele CA372188732.